The following is an entry in ClinVar:

ClinVar aggregate classification (germline): Benign (1 of 4 stars; one submission).

Allele frequency attached by ClinVar (database versions not stated): gnomAD exomes 0.00101; gnomAD 0.00142; 1000 Genomes Project 30x 0.00468.

Submission:

GeneDx
Classification: Benign. Last evaluated: 2014-05-11. Review status: criteria provided, single submitter. Criteria: GeneDx Variant Classification (06012015). Collection method: clinical testing. Allele origin: germline. Affected: yes.
Comment: This variant is considered likely benign or benign based on one or more of the following criteria: it is a conservative change, it occurs at a poorly conserved position in the protein, it is predicted to be benign by multiple in silico algorithms, and/or has population frequency not consistent with disease.

NM_032545.4(CFC1):c.615C>G (p.Ser205=)

Gene: CFC1 (cryptic, EGF-CFC family member 1; minus strand). Cytogenetic location: 2q21.1.
Variant type: single nucleotide variant.
Coding change: c.615C>G on transcript NM_032545.4 (MANE Select); coding-DNA position 615, C replaced by G.
Protein change: p.Ser205=; no amino-acid change (serine 205 retained).
Molecular consequence: synonymous variant. On other transcripts: missense variant (1).
Genome position (GRCh38, 1-based): chr2:130,592,934, G>C on the plus strand (C>G on the coding strand, the complement: CFC1 is on the minus strand). VCF-style: chr2-130592934-G-C. GRCh37 (hg19) VCF-style: chr2-131350507-G-C.
Other names: p.S205S:TCC>TCG; c.500C>G, p.Pro167Arg (NM_001270420.2); c.390C>G, p.Ser130= (NM_001270421.2); short protein forms P167R.
Identifiers: ClinVar variation 136739 (VCV000136739.1), dbSNP rs587780888, ClinGen allele CA290063.